The following is an entry in ClinVar:

NM_139276.3(STAT3):c.579G>C (p.Gln193His)

Genes: STAT3 (signal transducer and activator of transcription 3; minus strand), LOC130060889 (ATAC-STARR-seq lymphoblastoid silent region 8525; plus strand). Cytogenetic location: 17q21.2.
Variant type: single nucleotide variant.
Coding change: c.579G>C on transcript NM_139276.3 (MANE Select); coding-DNA position 579, G replaced by C.
Protein change: p.Gln193His; replaces glutamine 193 with histidine.
Molecular consequence: missense variant.
Genome position (GRCh38, 1-based): chr17:42,337,829, C>G on the plus strand (G>C on the coding strand, the complement: STAT3 is on the minus strand). VCF-style: chr17-42337829-C-G. GRCh37 (hg19) VCF-style: chr17-40489847-C-G.
Other names: c.579G>C, p.Gln193His (NM_001369512.1, NM_001369513.1, NM_001369514.1 and 15 more transcripts); c.501G>C, p.Gln167His (NM_001384985.1); c.483G>C, p.Gln161His (NM_001384989.1); short protein forms Q161H, Q167H, Q193H.
Identifiers: ClinVar variation 2038976 (VCV002038976.4), dbSNP rs2509438568, ClinGen allele CA399594487.

ClinVar aggregate classification (germline): Uncertain significance (1 of 4 stars; one submission).

Conditions:
Hyper-IgE recurrent infection syndrome 1, autosomal dominant. Also called: JOB SYNDROME; HYPER-IgE SYNDROME 1, AUTOSOMAL DOMINANT, WITH RECURRENT INFECTIONS; Job's Syndrome; STAT3 Hyper IgE Syndrome; Hyper-IgE recurrent infection syndrome 1. Identifiers: Orphanet 2314, MedGen C2936739, MONDO:0007818, OMIM 147060.
STAT3 gain of function. Identifiers: MedGen C4288261.

Submission:

Labcorp Genetics (formerly Invitae), Labcorp
Classification: Uncertain significance for STAT3 gain of function; Hyper-IgE recurrent infection syndrome 1, autosomal dominant. Last evaluated: 2022-03-08. Review status: criteria provided, single submitter. Criteria: Invitae Variant Classification Sherloc (09022015). Collection method: clinical testing. Allele origin: germline.
Comment: This sequence change replaces glutamine, which is neutral and polar, with histidine, which is basic and polar, at codon 193 of the STAT3 protein (p.Gln193His). In summary, the available evidence is currently insufficient to determine the role of this variant in disease. Therefore, it has been classified as a Variant of Uncertain Significance. Advanced modeling of protein sequence and biophysical properties (such as structural, functional, and spatial information, amino acid conservation, physicochemical variation, residue mobility, and thermodynamic stability) performed at Invitae indicates that this missense variant is not expected to disrupt STAT3 protein function. This variant has not been reported in the literature in individuals affected with STAT3-related conditions. This variant is not present in population databases (gnomAD no frequency).